The following is an entry in ClinVar:

NM_001457.4(FLNB):c.6896G>A (p.Gly2299Glu)

Gene: FLNB (filamin B; plus strand). Cytogenetic location: 3p14.3.
Variant type: single nucleotide variant.
Coding change: c.6896G>A on transcript NM_001457.4 (MANE Select); coding-DNA position 6896, G replaced by A.
Protein change: p.Gly2299Glu; replaces glycine 2299 with glutamic acid.
Molecular consequence: missense variant.
Genome position (GRCh38, 1-based): chr3:58,159,561, G>A. VCF-style: chr3-58159561-G-A. GRCh37 (hg19) VCF-style: chr3-58145288-G-A.
Other names: c.6989G>A, p.Gly2330Glu (NM_001164317.2); c.6863G>A, p.Gly2288Glu (NM_001164318.2); c.6824G>A, p.Gly2275Glu (NM_001164319.2); short protein forms G2330E, G2275E, G2288E, G2299E.
Identifiers: ClinVar variation 1427352 (VCV001427352.8), dbSNP rs1455683954, ClinGen allele CA353363532.
Genomic context (GRCh38, chr3:58,159,561, plus strand): 5'-CACTGAGCAGGAACGCCGAGGGCCATAACCTGTCTGATGTATTAAATTCTCAGGAATCGG[G>A]ATTAAAAGTTAACCAGCCAGCATCCTTTGCTATAAGGTTGAATGGCGCAAAAGGCAAGAT-3'
Protein context (NP_001448.2, residues 2289-2309): RLTVMSLQES[Gly2299Glu]LKVNQPASFA

ClinVar aggregate classification (germline): Uncertain significance (1 of 4 stars; one submission).

Allele frequency attached by ClinVar (database versions not stated): gnomAD exomes below 0.00001.
gnomAD v4.1: 1 of 1,614,148 alleles (0.000062%); no homozygotes.

Submission:

Labcorp Genetics (formerly Invitae), Labcorp
Classification: Uncertain significance. Last evaluated: 2021-05-21. Review status: criteria provided, single submitter. Criteria: Invitae Variant Classification Sherloc (09022015). Collection method: clinical testing. Allele origin: germline.
Comment: In summary, the available evidence is currently insufficient to determine the role of this variant in disease. Therefore, it has been classified as a Variant of Uncertain Significance. Advanced modeling of protein sequence and biophysical properties (such as structural, functional, and spatial information, amino acid conservation, physicochemical variation, residue mobility, and thermodynamic stability) performed at Invitae indicates that this missense variant is not expected to disrupt FLNB protein function. This variant has not been reported in the literature in individuals with FLNB-related conditions. This variant is not present in population databases (ExAC no frequency). This sequence change replaces glycine with glutamic acid at codon 2299 of the FLNB protein (p.Gly2299Glu). The glycine residue is highly conserved and there is a moderate physicochemical difference between glycine and glutamic acid.